The following is an entry in ClinVar:

ClinVar aggregate classification (germline): Likely benign (1 of 4 stars; one submission).

Allele frequency attached by ClinVar (database versions not stated): gnomAD exomes 0.00153; gnomAD 0.01257 and 0.01337; 1000 Genomes Project 0.01398; TOPMed 0.01405; 1000 Genomes Project 30x 0.01530.
gnomAD v4.1: 2,188 of 343,978 alleles (0.64%); highest among the groups gnomAD compares: African/African-American, 4.3%; 49 homozygotes.

Submission:

GeneDx
Classification: Likely benign. Last evaluated: 2018-06-18. Review status: criteria provided, single submitter. Criteria: GeneDx Variant Classification (06012015). Collection method: clinical testing. Allele origin: germline. Affected: yes.
Comment: This variant is considered likely benign or benign based on one or more of the following criteria: it is a conservative change, it occurs at a poorly conserved position in the protein, it is predicted to be benign by multiple in silico algorithms, and/or has population frequency not consistent with disease.

NM_007194.4(CHEK2):c.-7+27G>C

Genes: CHEK2 (checkpoint kinase 2; minus strand), LOC130067165 (ATAC-STARR-seq lymphoblastoid active region 18804; plus strand). Cytogenetic location: 22q12.1.
Variant type: single nucleotide variant.
Coding change: c.-7+27G>C on transcript NM_007194.4 (MANE Select); 27 bases into the intron after 7 bases upstream of the start codon, G replaced by C.
Molecular consequence: intron variant.
Genome position (GRCh38, 1-based): chr22:28,741,742, C>G on the plus strand (G>C on the coding strand, the complement: CHEK2 is on the minus strand). VCF-style: chr22-28741742-C-G. GRCh37 (hg19) VCF-style: chr22-29137730-C-G.
Other names: c.-345+27G>C (NM_001437942.1); c.-7+27G>C (NM_001349956.3, NM_145862.3, NM_001438295.1 and 3 more transcripts); c.-784+27G>C (NM_001257387.3).
Identifiers: ClinVar variation 670293 (VCV000670293.1), dbSNP rs74501869, ClinGen allele CA323002991.
Genomic context (GRCh38, chr22:28,741,742, plus strand): 5'-GAAGCTCAGGAGACTCCGTTCGCACAAAACGCTTAAGATGGGATTCGAACCACCAAACAC[C>G]CAACAGAAGTTCCCCATATGACTCACCGCGTGAGCCCACCTGGAGCCGCACACTCTCCGC-3'